The following is an entry in ClinVar:

NM_013275.6(ANKRD11):c.4117A>T (p.Lys1373Ter)

Gene: ANKRD11 (ankyrin repeat domain 11; minus strand). Cytogenetic location: 16q24.3.
Variant type: single nucleotide variant.
Coding change: c.4117A>T on transcript NM_013275.6 (MANE Select); coding-DNA position 4117, A replaced by T.
Protein change: p.Lys1373Ter; replaces lysine 1373 with a stop codon.
Molecular consequence: nonsense.
Genome position (GRCh38, 1-based): chr16:89,282,425, T>A on the plus strand (A>T on the coding strand, the complement: ANKRD11 is on the minus strand). VCF-style: chr16-89282425-T-A. GRCh37 (hg19) VCF-style: chr16-89348833-T-A.
Other names: c.4117A>T, p.Lys1373Ter (NM_001256182.2, NM_001256183.2); short protein forms K1373*.
Identifiers: ClinVar variation 2503466 (VCV002503466.1), dbSNP rs376874848, ClinGen allele CA397158276.

ClinVar aggregate classification (germline): Pathogenic (1 of 4 stars; one submission).

Conditions:
KBG syndrome (KBGS). Also called: ANKRD11-Related KBG Syndrome. Identifiers: Orphanet 2332, MedGen C0220687, MONDO:0007846, OMIM 148050.

Submission:

Medical Genetics Unit, Azienda USL-IRCCS di Reggio Emilia
Classification: Pathogenic for KBG syndrome. Last evaluated: 2022-07-27. Review status: criteria provided, single submitter. Criteria: ACMG Guidelines, 2015. Collection method: clinical testing. Allele origin: de novo. Affected: yes. Observed: 1 variant allele.
Comment: ACMG/AMP: PVS1,PS2,PM2